The following is an entry in ClinVar:

NM_001375.3(DNASE2):c.346+20C>T

Gene: DNASE2 (deoxyribonuclease 2, lysosomal; minus strand). Cytogenetic location: 19p13.13.
Variant type: single nucleotide variant.
Coding change: c.346+20C>T on transcript NM_001375.3 (MANE Select); 20 bases into the intron after coding-DNA position 346, C replaced by T.
Molecular consequence: intron variant.
Genome position (GRCh38, 1-based): chr19:12,880,782, G>A on the plus strand (C>T on the coding strand, the complement: DNASE2 is on the minus strand). VCF-style: chr19-12880782-G-A. GRCh37 (hg19) VCF-style: chr19-12991596-G-A.
Identifiers: ClinVar variation 4847986 (VCV004847986.1).

ClinVar aggregate classification (germline): Likely benign (1 of 4 stars; one submission).

gnomAD v4.1: 2 of 1,614,164 alleles (0.00012%); highest among the groups gnomAD compares: Non-Finnish European, 0.00017%; no homozygotes.

Submission:

Women's Health and Genetics/Laboratory Corporation of America, LabCorp
Classification: Likely benign. Last evaluated: 2026-02-06. Review status: criteria provided, single submitter. Criteria: LabCorp Variant Classification Summary - May 2015. Collection method: clinical testing. Allele origin: germline.
Comment: Variant summary: DNASE2 c.346+20C>T alters a nucleotide located at a position not widely known to affect splicing. Consensus agreement among computation tools predict no significant impact on normal splicing. However, these predictions have yet to be confirmed by functional studies. The variant was absent in 251470 control chromosomes. The available data on variant occurrences in the general population are insufficient to allow any conclusion about variant significance. To our knowledge, no occurrence of c.346+20C>T in individuals affected with DNASE2-related conditions and no experimental evidence demonstrating its impact on protein function have been reported. No submitters have cited clinical-significance assessments for this variant to ClinVar. Based on the evidence outlined above, the variant was classified as likely benign.